The following is an entry in ClinVar:

NM_000334.4(SCN4A):c.1370C>A (p.Thr457Asn)

Gene: SCN4A (sodium voltage-gated channel alpha subunit 4; minus strand). Cytogenetic location: 17q23.3.
Variant type: single nucleotide variant.
Coding change: c.1370C>A on transcript NM_000334.4 (MANE Select); coding-DNA position 1370, C replaced by A.
Protein change: p.Thr457Asn; replaces threonine 457 with asparagine.
Molecular consequence: missense variant.
Genome position (GRCh38, 1-based): chr17:63,964,550, G>T on the plus strand (C>A on the coding strand, the complement: SCN4A is on the minus strand). VCF-style: chr17-63964550-G-T. GRCh37 (hg19) VCF-style: chr17-62041910-G-T.
Other names: short protein forms T457N.
Identifiers: ClinVar variation 578777 (VCV000578777.6), dbSNP rs1567826131, ClinGen allele CA400634945.

ClinVar aggregate classification (germline): Uncertain significance (1 of 4 stars; one submission).

Conditions:
Hyperkalemic periodic paralysis. Also called: Familial hyperkalemic periodic paralysis; Gamstorp disease. Identifiers: Orphanet 682, MedGen C0238357, MONDO:0008224, OMIM 170500, HP:0007215.

gnomAD v4.1: 1 of 1,614,066 alleles (0.000062%); highest among the groups gnomAD compares: Non-Finnish European, 0.000085%; no homozygotes.

Submission:

Labcorp Genetics (formerly Invitae), Labcorp
Classification: Uncertain significance for Hyperkalemic periodic paralysis. Last evaluated: 2021-09-01. Review status: criteria provided, single submitter. Criteria: Invitae Variant Classification Sherloc (09022015). Collection method: clinical testing. Allele origin: germline.
Comment: This sequence change replaces threonine with asparagine at codon 457 of the SCN4A protein (p.Thr457Asn). The threonine residue is highly conserved and there is a small physicochemical difference between threonine and asparagine. This variant is not present in population databases (ExAC no frequency). This variant has not been reported in the literature in individuals affected with SCN4A-related conditions. Algorithms developed to predict the effect of missense changes on protein structure and function output the following: SIFT: "Deleterious"; PolyPhen-2: "Benign"; Align-GVGD: "Class C0". The asparagine amino acid residue is found in multiple mammalian species, which suggests that this missense change does not adversely affect protein function. In summary, the available evidence is currently insufficient to determine the role of this variant in disease. Therefore, it has been classified as a Variant of Uncertain Significance.